The following is an entry in ClinVar:

NM_000257.4(MYH7):c.1070T>A (p.Met357Lys)

Gene: MYH7 (myosin heavy chain 7; minus strand). Cytogenetic location: 14q11.2.
Variant type: single nucleotide variant.
Coding change: c.1070T>A on transcript NM_000257.4 (MANE Select); coding-DNA position 1070, T replaced by A.
Protein change: p.Met357Lys; replaces methionine 357 with lysine.
Molecular consequence: missense variant.
Genome position (GRCh38, 1-based): chr14:23,429,843, A>T on the plus strand (T>A on the coding strand, the complement: MYH7 is on the minus strand). VCF-style: chr14-23429843-A-T. GRCh37 (hg19) VCF-style: chr14-23899052-A-T.
Other names: c.1070T>A, p.Met357Lys (NM_001407004.1); short protein forms M357K.
Identifiers: ClinVar variation 2003654 (VCV002003654.4), dbSNP rs730880865, ClinGen allele CA389051427.

ClinVar aggregate classification (germline): Uncertain significance (1 of 4 stars; one submission).

Conditions:
Hypertrophic cardiomyopathy. Also called: HYPERTROPHIC MYOCARDIOPATHY. Identifiers: Orphanet 217569, MedGen C0007194, MeSH D002312, MONDO:0005045, HP:0001639.

Submission:

Labcorp Genetics (formerly Invitae), Labcorp
Classification: Uncertain significance for Hypertrophic cardiomyopathy. Last evaluated: 2022-06-14. Review status: criteria provided, single submitter. Criteria: Invitae Variant Classification Sherloc (09022015). Collection method: clinical testing. Allele origin: germline.
Comment: In summary, the available evidence is currently insufficient to determine the role of this variant in disease. Therefore, it has been classified as a Variant of Uncertain Significance. This variant is found within a region of MYH7 between codons 181 and 937 that contains the majority of the myosin head domain. Missense variants in this region have been shown to be significantly overrepresented in individuals with hypertrophic cardiomyopathy (PMID: 27532257). Algorithms developed to predict the effect of missense changes on protein structure and function are either unavailable or do not agree on the potential impact of this missense change (SIFT: "Deleterious"; PolyPhen-2: "Possibly Damaging"; Align-GVGD: "Class C0"). This variant has not been reported in the literature in individuals affected with MYH7-related conditions. This variant is not present in population databases (gnomAD no frequency). This sequence change replaces methionine, which is neutral and non-polar, with lysine, which is basic and polar, at codon 357 of the MYH7 protein (p.Met357Lys).

Literature cited by the submitters: PubMed 27532257.